The following is an entry in ClinVar:

ClinVar aggregate classification (germline): Conflicting classifications of pathogenicity. Review status: criteria provided, conflicting classifications (1 of 4 stars). 2 submissions from 2 submitters: Likely pathogenic (1); Uncertain significance (1). Last evaluated 2025-11-10.

Conditions:
TGFB3-related connective tissue disorders.
Rienhoff syndrome. Also called: LOEYS-DIETZ SYNDROME 5. Identifiers: MedGen C3810012, MONDO:0014262, OMIM 615582.

Allele frequency attached by ClinVar (database versions not stated): gnomAD exomes below 0.00001.
gnomAD v4.1: 1 of 1,614,216 alleles (0.000062%); highest among the groups gnomAD compares: Non-Finnish European, 0.000085%; no homozygotes.

Submissions (2):

Labcorp Genetics (formerly Invitae), Labcorp
Classification: Uncertain significance for Rienhoff syndrome. Last evaluated: 2025-11-10. Review status: criteria provided, single submitter. Criteria: Invitae Variant Classification Sherloc (09022015). Collection method: clinical testing. Allele origin: germline.
Comment: This sequence change replaces alanine, which is neutral and non-polar, with glutamic acid, which is acidic and polar, at codon 149 of the TGFB3 protein (p.Ala149Glu). This variant is not present in population databases (gnomAD no frequency). This variant has not been reported in the literature in individuals affected with TGFB3-related conditions. ClinVar contains an entry for this variant (Variation ID: 989322). Invitae Evidence Modeling of protein sequence and biophysical properties (such as structural, functional, and spatial information, amino acid conservation, physicochemical variation, residue mobility, and thermodynamic stability) indicates that this missense variant is expected to disrupt TGFB3 protein function with a positive predictive value of 80%. In summary, the available evidence is currently insufficient to determine the role of this variant in disease. Therefore, it has been classified as a Variant of Uncertain Significance.

Illumina Laboratory Services, Illumina
Classification: Likely pathogenic for TGFB3-related connective tissue disorders. Last evaluated: 2019-03-20. Review status: criteria provided, single submitter. Criteria: ICSLVariantClassificationCriteria RUGD 01 April 2020. Collection method: clinical testing. Allele origin: unknown.
Comment: The TGFB3 c.446C>A (p.Ala149Glu) variant is a missense variant. A literature search was performed for the gene, cDNA change, and amino acid change. No publications were found based on this search. This variant is not reported in the Genome Aggregation Database and is in a region of good sequencing coverage, so it presumed to be rare. The p.Ala149Glu variant affects a conserved residue in the latency associated peptide (LAP) domain, where other missense variants in the gene have been reported (Rienhoff et al. 2013; Matyas et al. 2014; Bertoli-Avella et al. 2015; Kuechler et al. 2015). Based on the de novo nature of the variant and absence from allele frequency databases, the p.Ala149Glu variant is classified as likely pathogenic for TGFB3-related connective tissue disorders.

Literature cited by the submitters: PubMed 23824657 (cited by Illumina Laboratory Services, Illumina); PubMed 24798638 (cited by Illumina Laboratory Services, Illumina); PubMed 25835445 (cited by Illumina Laboratory Services, Illumina); PubMed 26184463 (cited by Illumina Laboratory Services, Illumina).

NM_003239.5(TGFB3):c.446C>A (p.Ala149Glu)

Gene: TGFB3 (transforming growth factor beta 3; minus strand). Cytogenetic location: 14q24.3.
Variant type: single nucleotide variant.
Coding change: c.446C>A on transcript NM_003239.5 (MANE Select); coding-DNA position 446, C replaced by A.
Protein change: p.Ala149Glu; replaces alanine 149 with glutamic acid.
Molecular consequence: missense variant.
Genome position (GRCh38, 1-based): chr14:75,971,625, G>T on the plus strand (C>A on the coding strand, the complement: TGFB3 is on the minus strand). VCF-style: chr14-75971625-G-T. GRCh37 (hg19) VCF-style: chr14-76437968-G-T.
Other names: c.446C>A, p.Ala149Glu (NM_001329938.2, NM_001329939.2); short protein forms A149E.
Identifiers: ClinVar variation 989322 (VCV000989322.5), dbSNP rs2035294180, ClinGen allele CA390470086.